The following is an entry in ClinVar:

NM_021252.5(RAB18):c.*1488A>C

Gene: RAB18 (RAB18, member RAS oncogene family; plus strand). Cytogenetic location: 10p12.1.
Variant type: single nucleotide variant.
Coding change: c.*1488A>C on transcript NM_021252.5 (MANE Select); 1488 bases downstream of the stop codon, A replaced by C.
Molecular consequence: 3 prime UTR variant. On other transcripts: non-coding transcript variant (1).
Genome position (GRCh38, 1-based): chr10:27,539,539, A>C. VCF-style: chr10-27539539-A-C. GRCh37 (hg19) VCF-style: chr10-27828468-A-C.
Other names: NC_000010.10:g.27828468A>C; c.*1488A>C (NM_001256410.2, NM_001256412.2); c.*1448A>C (NM_001256411.2).
Identifiers: ClinVar variation 299844 (VCV000299844.6), dbSNP rs148630305, ClinGen allele CA5452513.

ClinVar aggregate classification (germline): Benign (1 of 4 stars; one submission).

Conditions:
Warburg micro syndrome 3 (WARBM3). Also called: MICRO SYNDROME 3. Identifiers: Orphanet 2510, MedGen C3280203, MONDO:0013638, OMIM 614222.

Allele frequency attached by ClinVar (database versions not stated): gnomAD exomes 0.00043 and 0.00106; ExAC 0.00147; 1000 Genomes Project 0.00200; 1000 Genomes Project 30x 0.00250; gnomAD 0.00466 and 0.00510; TOPMed 0.00495.
gnomAD v4.1: 815 of 399,406 alleles (0.2%); highest among the groups gnomAD compares: African/African-American, 1.6%; 8 homozygotes.

Submissions (2):

Illumina Laboratory Services, Illumina
Classification: Benign for Warburg micro syndrome 3. Last evaluated: 2018-01-12. Review status: criteria provided, single submitter. Criteria: ICSL Variant Classification Criteria 13 December 2019. Collection method: clinical testing. Allele origin: germline.
Comment: This variant was observed in the ICSL laboratory as part of a predisposition screen in an ostensibly healthy population. It had not been previously curated by ICSL or reported in the Human Gene Mutation Database (HGMD: prior to June 1st, 2018), and was therefore a candidate for classification through an automated scoring system. Utilizing variant allele frequency, disease prevalence and penetrance estimates, and inheritance mode, an automated score was calculated to assess if this variant is too frequent to cause the disease. Based on the score and internal cut-off values, a variant classified as benign is not then subjected to further curation. The score for this variant resulted in a classification of benign for this disease.

Dr. Peter K. Rogan Lab, Western University
No classification provided (evidence only). Condition: Sarcoma. Review status: no classification provided. Collection method: in vitro. Allele origin: not applicable. Functional consequence: retained intron. Not counted in ClinVar's aggregate classification.